The following is an entry in ClinVar:

NM_001354604.2(MITF):c.547G>T (p.Ala183Ser)

Gene: MITF (melanocyte inducing transcription factor; plus strand). Cytogenetic location: 3p13.
Variant type: single nucleotide variant.
Coding change: c.547G>T on transcript NM_001354604.2 (MANE Select); coding-DNA position 547, G replaced by T.
Protein change: p.Ala183Ser; replaces alanine 183 with serine.
Molecular consequence: missense variant. On other transcripts: intron variant (1).
Genome position (GRCh38, 1-based): chr3:69,938,014, G>T. VCF-style: chr3-69938014-G-T. GRCh37 (hg19) VCF-style: chr3-69987165-G-T.
Other names: c.226G>T, p.Ala76Ser (NM_000248.4, NM_001184968.2, NM_198158.3); c.391G>T, p.Ala131Ser (NM_001184967.2, NM_001354608.2); c.544G>T, p.Ala182Ser (NM_001354605.2, NM_001354606.2, NM_006722.3); c.496G>T, p.Ala166Ser (NM_001354607.2); c.547G>T, p.Ala183Ser (NM_198159.3); c.499G>T, p.Ala167Ser (NM_198177.3); c.93+133G>T (NM_198178.3); short protein forms A131S, A166S, A167S, A182S, A183S, A76S.
Identifiers: ClinVar variation 3752506 (VCV003752506.3).
Genomic context (GRCh38, chr3:69,938,014, plus strand): 5'-CAGCCTGGCGATCATGTCATGCCACCGGTGCCGGGGAGCAGCGCACCCAACAGCCCCATG[G>T]CTATGCTTACGCTTAACTCCAACTGTGAAAAAGAGGTAATTCATGTCTCCTCTCCTCTCC-3'
Protein context (NP_001341533.1, residues 173-193): PGSSAPNSPM[Ala183Ser]MLTLNSNCEK

ClinVar aggregate classification (germline): Uncertain significance. Review status: criteria provided, multiple submitters, no conflicts (2 of 4 stars). 2 submissions from 2 submitters: Uncertain significance (2). Last evaluated 2025-12-22.

Conditions:
Hereditary cancer-predisposing syndrome. Also called: Hereditary neoplastic syndrome; Tumor predisposition; Hereditary Cancer Syndrome; Neoplastic Syndromes, Hereditary. Identifiers: Orphanet 140162, MedGen C0027672, MeSH D009386, MONDO:0015356.
Waardenburg syndrome type 2A (WS2A). Also called: WAARDENBURG SYNDROME WITHOUT DYSTOPIA CANTHORUM. Identifiers: Orphanet 3440, MedGen C1860339, MONDO:0008671, OMIM 193510.
Tietz syndrome (TADS). Also called: ALBINISM-DEAFNESS OF TIETZ; HYPOPIGMENTATION/DEAFNESS OF TIETZ; TIETZ ALBINISM-DEAFNESS SYNDROME. Identifiers: Orphanet 42665, MedGen C0391816, MONDO:0007077, OMIM 103500.
Melanoma, cutaneous malignant, susceptibility to, 8. Also called: MELANOMA AND RENAL CELL CARCINOMA, SUSCEPTIBILITY TO; Cutaneous malignant melanoma 8. Identifiers: Orphanet 293822, MedGen C3152204, MONDO:0013759, OMIM 614456.

gnomAD v4.1: 1 of 1,614,168 alleles (0.000062%); highest among the groups gnomAD compares: Non-Finnish European, 0.000085%; no homozygotes.

Submissions (2):

Labcorp Genetics (formerly Invitae), Labcorp
Classification: Uncertain significance for Melanoma, cutaneous malignant, susceptibility to, 8; Waardenburg syndrome type 2A; Tietz syndrome. Last evaluated: 2025-12-22. Review status: criteria provided, single submitter. Criteria: Invitae Variant Classification Sherloc (09022015). Collection method: clinical testing. Allele origin: germline.
Comment: This sequence change replaces alanine, which is neutral and non-polar, with serine, which is neutral and polar, at codon 76 of the MITF protein (p.Ala76Ser). This variant is present in population databases (no rsID available, gnomAD 0.0009%). This variant has not been reported in the literature in individuals affected with MITF-related conditions. ClinVar contains an entry for this variant (Variation ID: 3752506). Invitae Evidence Modeling of protein sequence and biophysical properties (such as structural, functional, and spatial information, amino acid conservation, physicochemical variation, residue mobility, and thermodynamic stability) indicates that this missense variant is not expected to disrupt MITF protein function with a negative predictive value of 80%. In summary, the available evidence is currently insufficient to determine the role of this variant in disease. Therefore, it has been classified as a Variant of Uncertain Significance.

Ambry Genetics
Classification: Uncertain significance for Hereditary cancer-predisposing syndrome. Last evaluated: 2025-06-21. Review status: criteria provided, single submitter. Criteria: Ambry Variant Classification Scheme 2023. Collection method: clinical testing. Allele origin: germline.
Comment: The p.A76S variant (also known as c.226G>T), located in coding exon 2 of the MITF gene, results from a G to T substitution at nucleotide position 226. The alanine at codon 76 is replaced by serine, an amino acid with similar properties. This amino acid position is conserved. In addition, this alteration is predicted to be tolerated by in silico analysis. Based on the available evidence, the clinical significance of this variant remains unclear.